The following is an entry in ClinVar:

ClinVar aggregate classification (germline): Benign. Review status: criteria provided, multiple submitters, no conflicts (2 of 4 stars). 13 submissions from 13 submitters: Benign (11). 2 of the submissions do not count toward it. Last evaluated 2026-02-01.

Conditions:
Microcephaly 2, primary, autosomal recessive, with or without cortical malformations. Also called: WDR62 Primary Microcephaly; MICROCEPHALY 2, PRIMARY, AUTOSOMAL RECESSIVE, WITH CORTICAL MALFORMATIONS. Identifiers: Orphanet 2512, MedGen C1858535, MONDO:0011435, OMIM 604317.

Allele frequency attached by ClinVar (database versions not stated): ESP Exome Variant Server 0.03614; gnomAD 0.04216 and 0.04980; TOPMed 0.04791; gnomAD exomes 0.08049; ExAC 0.08243; 1000 Genomes Project 30x 0.10696; 1000 Genomes Project 0.11342.
gnomAD v4.1: 83,808 of 1,613,680 alleles (5.2%); highest among the groups gnomAD compares: East Asian, 21%; 4,355 homozygotes.

Submissions (13):

Labcorp Genetics (formerly Invitae), Labcorp
Classification: Benign. Last evaluated: 2026-02-01. Review status: criteria provided, single submitter. Criteria: Invitae Variant Classification Sherloc (09022015). Collection method: clinical testing. Allele origin: germline.

Blueprint Genetics
Classification: Benign. Last evaluated: 2024-11-28. Review status: criteria provided, single submitter. Criteria: ACMG Guidelines, 2015. Collection method: clinical testing. Allele origin: germline.

Genome-Nilou Lab
Classification: Benign for Microcephaly 2, primary, autosomal recessive, with or without cortical malformations. Last evaluated: 2021-12-05. Review status: criteria provided, single submitter. Criteria: ACMG Guidelines, 2015. Collection method: clinical testing. Allele origin: germline. Affected: no.

Mayo Clinic Laboratories, Mayo Clinic
Classification: Benign. Last evaluated: 2018-04-10. Review status: criteria provided, single submitter. Criteria: ACMG Guidelines, 2015. Collection method: clinical testing. Allele origin: germline. Observed: 50 variant alleles.

Illumina Laboratory Services, Illumina
Classification: Benign for Microcephaly 2, primary, autosomal recessive, with or without cortical malformations. Last evaluated: 2018-01-12. Review status: criteria provided, single submitter. Criteria: ICSL Variant Classification Criteria 13 December 2019. Collection method: clinical testing. Allele origin: germline.
Comment: This variant was observed in the ICSL laboratory as part of a predisposition screen in an ostensibly healthy population. It had not been previously curated by ICSL or reported in the Human Gene Mutation Database (HGMD: prior to June 1st, 2018), and was therefore a candidate for classification through an automated scoring system. Utilizing variant allele frequency, disease prevalence and penetrance estimates, and inheritance mode, an automated score was calculated to assess if this variant is too frequent to cause the disease. Based on the score and internal cut-off values, a variant classified as benign is not then subjected to further curation. The score for this variant resulted in a classification of benign for this disease.

Athena Diagnostics
Classification: Benign for Microcephaly 2, primary, autosomal recessive, with or without cortical malformations. Last evaluated: 2017-06-05. Review status: criteria provided, single submitter. Criteria: Athena Diagnostics Criteria. Collection method: clinical testing. Allele origin: germline.

GeneDx
Classification: Benign. Last evaluated: 2015-03-03. Review status: criteria provided, single submitter. Criteria: GeneDx Variant Classification Process June 2021. Collection method: clinical testing. Allele origin: germline. Affected: yes.

Eurofins Ntd Llc (ga)
Classification: Benign. Last evaluated: 2014-07-03. Review status: criteria provided, single submitter. Criteria: EGL Classification Definitions 2015. Collection method: clinical testing. Allele origin: germline. Observed: 1 variant allele, 1 heterozygote.

Genetic Services Laboratory, University of Chicago
Classification: Benign. Last evaluated: 2013-02-08. Review status: criteria provided, single submitter. Criteria: ACMG Guidelines, 2007. Collection method: clinical testing. Allele origin: germline. Inheritance: Autosomal recessive inheritance.

Breakthrough Genomics
Classification: Benign. Review status: criteria provided, single submitter. Criteria: ACMG Guidelines, 2015. Collection method: not provided. Allele origin: germline. Inheritance: Autosomal recessive inheritance. Affected: yes.

PreventionGenetics, part of Exact Sciences
Classification: Benign. Review status: criteria provided, single submitter. Criteria: ACMG Guidelines, 2015. Collection method: clinical testing. Allele origin: germline.

Clinical Genetics DNA and cytogenetics Diagnostics Lab, Erasmus MC, Erasmus Medical Center
Classification: Benign. Review status: no assertion criteria provided. Collection method: clinical testing. Allele origin: germline. Affected: yes. Study: VKGL Data-share Consensus. Not counted in ClinVar's aggregate classification.

Joint Genome Diagnostic Labs from Nijmegen and Maastricht, Radboudumc and MUMC+
Classification: Benign. Review status: no assertion criteria provided. Collection method: clinical testing. Allele origin: germline. Affected: yes. Study: VKGL Data-share Consensus. Not counted in ClinVar's aggregate classification.

NM_001083961.2(WDR62):c.180G>A (p.Val60=)

Gene: WDR62 (WD repeat domain 62; plus strand). Cytogenetic location: 19q13.12.
Variant type: single nucleotide variant.
Coding change: c.180G>A on transcript NM_001083961.2 (MANE Select); coding-DNA position 180, G replaced by A.
Protein change: p.Val60=; no amino-acid change (valine 60 retained).
Molecular consequence: synonymous variant.
Genome position (GRCh38, 1-based): chr19:36,058,782, G>A. VCF-style: chr19-36058782-G-A. GRCh37 (hg19) VCF-style: chr19-36549684-G-A.
Other names: p.Val60=; c.180G>A, p.Val60= (NM_173636.5).
Identifiers: ClinVar variation 160258 (VCV000160258.31), dbSNP rs61742664, ClinGen allele CA173902.